The following is an entry in ClinVar:

NM_005560.6(LAMA5):c.3874C>T (p.His1292Tyr)

Gene: LAMA5 (laminin subunit alpha 5; minus strand). Cytogenetic location: 20q13.33.
Variant type: single nucleotide variant.
Coding change: c.3874C>T on transcript NM_005560.6 (MANE Select); coding-DNA position 3874, C replaced by T.
Protein change: p.His1292Tyr; replaces histidine 1292 with tyrosine.
Molecular consequence: missense variant.
Genome position (GRCh38, 1-based): chr20:62,330,593, G>A on the plus strand (C>T on the coding strand, the complement: LAMA5 is on the minus strand). VCF-style: chr20-62330593-G-A. GRCh37 (hg19) VCF-style: chr20-60905649-G-A.
Other names: short protein forms H1292Y.
Identifiers: ClinVar variation 1965375 (VCV001965375.5), dbSNP rs1228350928, ClinGen allele CA409567058.

ClinVar aggregate classification (germline): Uncertain significance (1 of 4 stars; one submission).

Submission:

Labcorp Genetics (formerly Invitae), Labcorp
Classification: Uncertain significance. Last evaluated: 2022-01-04. Review status: criteria provided, single submitter. Criteria: Invitae Variant Classification Sherloc (09022015). Collection method: clinical testing. Allele origin: germline.
Comment: In summary, the available evidence is currently insufficient to determine the role of this variant in disease. Therefore, it has been classified as a Variant of Uncertain Significance. Algorithms developed to predict the effect of missense changes on protein structure and function are either unavailable or do not agree on the potential impact of this missense change (SIFT: "Tolerated"; PolyPhen-2: "Possibly Damaging"; Align-GVGD: "Class C0"). This variant has not been reported in the literature in individuals affected with LAMA5-related conditions. This variant is not present in population databases (gnomAD no frequency). This sequence change replaces histidine, which is basic and polar, with tyrosine, which is neutral and polar, at codon 1292 of the LAMA5 protein (p.His1292Tyr).